The following is an entry in ClinVar:

NM_004544.4(NDUFA10):c.763G>T (p.Val255Phe)

Gene: NDUFA10 (NADH:ubiquinone oxidoreductase subunit A10; minus strand). Cytogenetic location: 2q37.3.
Variant type: single nucleotide variant.
Coding change: c.763G>T on transcript NM_004544.4 (MANE Select); coding-DNA position 763, G replaced by T.
Protein change: p.Val255Phe; replaces valine 255 with phenylalanine.
Molecular consequence: missense variant. On other transcripts: non-coding transcript variant (4).
Genome position (GRCh38, 1-based): chr2:240,007,357, C>A on the plus strand (G>T on the coding strand, the complement: NDUFA10 is on the minus strand). VCF-style: chr2-240007357-C-A. GRCh37 (hg19) VCF-style: chr2-240946774-C-A.
Other names: c.763G>T, p.Val255Phe (NM_001322019.2, NM_001322020.2, NM_001410987.1); short protein forms V255F.
Identifiers: ClinVar variation 4532539 (VCV004532539.1).

ClinVar aggregate classification (germline): Uncertain significance (1 of 4 stars; one submission).

gnomAD v4.1: 3 of 1,592,140 alleles (0.00019%); highest among the groups gnomAD compares: Non-Finnish European, 0.00017%; no homozygotes.

Submission:

GeneDx
Classification: Uncertain significance. Last evaluated: 2025-05-29. Review status: criteria provided, single submitter. Criteria: GeneDx Variant Classification Process June 2021. Collection method: clinical testing. Allele origin: germline. Affected: yes.
Comment: In silico analysis supports that this missense variant has a deleterious effect on protein structure/function; Has not been previously published as pathogenic or benign to our knowledge